The following is an entry in ClinVar:

ClinVar aggregate classification (germline): Uncertain significance (1 of 4 stars; one submission).

Allele frequency attached by ClinVar (database versions not stated): gnomAD 0.00001.
gnomAD v4.1: 1 of 1,613,630 alleles (0.000062%); highest among the groups gnomAD compares: African/African-American, 0.0013%; no homozygotes.

Submission:

Labcorp Genetics (formerly Invitae), Labcorp
Classification: Uncertain significance. Last evaluated: 2022-07-12. Review status: criteria provided, single submitter. Criteria: Invitae Variant Classification Sherloc (09022015). Collection method: clinical testing. Allele origin: germline.
Comment: This sequence change replaces threonine, which is neutral and polar, with isoleucine, which is neutral and non-polar, at codon 2450 of the SZT2 protein (p.Thr2450Ile). The frequency data for this variant in the population databases is considered unreliable, as metrics indicate poor data quality at this position in the gnomAD database. This variant has not been reported in the literature in individuals affected with SZT2-related conditions. ClinVar contains an entry for this variant (Variation ID: 1003446). Algorithms developed to predict the effect of missense changes on protein structure and function output the following: SIFT: "Deleterious"; PolyPhen-2: "Benign"; Align-GVGD: "Class C0". The isoleucine amino acid residue is found in multiple mammalian species, which suggests that this missense change does not adversely affect protein function. In summary, the available evidence is currently insufficient to determine the role of this variant in disease. Therefore, it has been classified as a Variant of Uncertain Significance.

NM_001365999.1(SZT2):c.7520C>T (p.Thr2507Ile)

Gene: SZT2 (SZT2 subunit of KICSTOR complex; plus strand). Cytogenetic location: 1p34.2.
Variant type: single nucleotide variant.
Coding change: c.7520C>T on transcript NM_001365999.1 (MANE Select); coding-DNA position 7520, C replaced by T.
Protein change: p.Thr2507Ile; replaces threonine 2507 with isoleucine.
Molecular consequence: missense variant.
Genome position (GRCh38, 1-based): chr1:43,441,512, C>T. VCF-style: chr1-43441512-C-T. GRCh37 (hg19) VCF-style: chr1-43907183-C-T.
Other names: c.7349C>T, p.Thr2450Ile (NM_015284.4); short protein forms T2450I, T2507I.
Identifiers: ClinVar variation 1003446 (VCV001003446.8), dbSNP rs942838342, ClinGen allele CA340035139.